The following is an entry in ClinVar:

ClinVar aggregate classification (germline): Uncertain significance (1 of 4 stars; one submission).

Conditions:
Neurodevelopmental disorder with hypotonia, language delay, and skeletal defects with or without seizures (NEDHLSS). Identifiers: MedGen C5774213, MONDO:0859286, OMIM 620029.
Long QT syndrome 8. Identifiers: MedGen CN260585, MONDO:0032756, OMIM 618447.
Brugada syndrome 3 (BRGDA3). Identifiers: Orphanet 130, MedGen C2678478, MONDO:0012742, OMIM 611875.
Timothy syndrome (TS). Also called: LONG QT SYNDROME WITH SYNDACTYLY. Identifiers: Orphanet 65283, MedGen C1832916, MeSH C536962, MONDO:0010979, OMIM 601005.

Submission:

Juno Genomics, Hangzhou Juno Genomics, Inc
Classification: Uncertain significance for Timothy syndrome; Neurodevelopmental disorder with hypotonia, language delay, and skeletal defects with or without seizures; Brugada syndrome 3; Long QT syndrome 8. Review status: criteria provided, single submitter. Criteria: ACMG Guidelines, 2015. Collection method: clinical testing. Allele origin: germline.
Comment: Missense variant in a gene that has a low rate of benign missense variation.;Multiple lines of computational evidence support a deleterious effect on the gene or gene product.;Absent from controls (or at extremely low frequency if recessive) in Genome Aggregation Database.

NM_000719.7(CACNA1C):c.2242T>G (p.Phe748Val)

Gene: CACNA1C (calcium voltage-gated channel subunit alpha1 C; plus strand). Cytogenetic location: 12p13.33.
Variant type: single nucleotide variant.
Coding change: c.2242T>G on transcript NM_000719.7 (MANE Select); coding-DNA position 2242, T replaced by G.
Protein change: p.Phe748Val; replaces phenylalanine 748 with valine.
Molecular consequence: missense variant.
Genome position (GRCh38, 1-based): chr12:2,584,520, T>G. VCF-style: chr12-2584520-T-G. GRCh37 (hg19) VCF-style: chr12-2693686-T-G.
Other names: c.2242T>G, p.Phe748Val (NM_001129834.2, NM_001129835.2, NM_001129836.2 and 18 more transcripts); c.2233T>G, p.Phe745Val (NM_001129844.2); short protein forms F745V, F748V.
Identifiers: ClinVar variation 5005082 (VCV005005082.2).